The following is an entry in ClinVar:

ClinVar aggregate classification (germline): Uncertain significance (1 of 4 stars; one submission).

Conditions:
Dystonia 16 (DYT16). Also called: DYT-PRKRA. Identifiers: Orphanet 210571, MedGen C2677567, MONDO:0012789, OMIM 612067.

Submission:

Labcorp Genetics (formerly Invitae), Labcorp
Classification: Uncertain significance for Dystonia 16. Last evaluated: 2022-01-26. Review status: criteria provided, single submitter. Criteria: Invitae Variant Classification Sherloc (09022015). Collection method: clinical testing. Allele origin: germline.
Comment: This variant is not present in population databases (gnomAD no frequency). In summary, the available evidence is currently insufficient to determine the role of this variant in disease. Therefore, it has been classified as a Variant of Uncertain Significance. Algorithms developed to predict the effect of missense changes on protein structure and function (SIFT, PolyPhen-2, Align-GVGD) all suggest that this variant is likely to be tolerated. This variant has not been reported in the literature in individuals affected with PRKRA-related conditions. This sequence change replaces glycine, which is neutral and non-polar, with alanine, which is neutral and non-polar, at codon 24 of the PRKRA protein (p.Gly24Ala).

NM_003690.5(PRKRA):c.71G>C (p.Gly24Ala)

Gene: PRKRA (protein activator of interferon induced protein kinase EIF2AK2; minus strand). Cytogenetic location: 2q31.2.
Variant type: single nucleotide variant.
Coding change: c.71G>C on transcript NM_003690.5 (MANE Select); coding-DNA position 71, G replaced by C.
Protein change: p.Gly24Ala; replaces glycine 24 with alanine.
Molecular consequence: missense variant. On other transcripts: 5 prime UTR variant (1).
Genome position (GRCh38, 1-based): chr2:178,450,406, C>G on the plus strand (G>C on the coding strand, the complement: PRKRA is on the minus strand). VCF-style: chr2-178450406-C-G. GRCh37 (hg19) VCF-style: chr2-179315133-C-G.
Other names: c.38G>C, p.Gly13Ala (NM_001139517.2); c.-5G>C (NM_001139518.2); c.-379G>C (NM_001316362.2); short protein forms G13A, G24A.
Identifiers: ClinVar variation 2088719 (VCV002088719.4), dbSNP rs1697529241, ClinGen allele CA349396386.